The following is an entry in ClinVar:

NM_032043.3(BRIP1):c.1165G>T (p.Val389Phe)

Gene: BRIP1 (BRCA1 interacting DNA helicase 1; minus strand). Cytogenetic location: 17q23.2.
Variant type: single nucleotide variant.
Coding change: c.1165G>T on transcript NM_032043.3 (MANE Select); coding-DNA position 1165, G replaced by T.
Protein change: p.Val389Phe; replaces valine 389 with phenylalanine.
Molecular consequence: missense variant.
Genome position (GRCh38, 1-based): chr17:61,799,275, C>A on the plus strand (G>T on the coding strand, the complement: BRIP1 is on the minus strand). VCF-style: chr17-61799275-C-A. GRCh37 (hg19) VCF-style: chr17-59876636-C-A.
Other names: short protein forms V389F.
Identifiers: ClinVar variation 421188 (VCV000421188.11), dbSNP rs587780825, ClinGen allele CA16620537.

ClinVar aggregate classification (germline): Uncertain significance. Review status: criteria provided, multiple submitters, no conflicts (2 of 4 stars). 2 submissions from 2 submitters: Uncertain significance (2). Last evaluated 2022-02-09.

Conditions:
Fanconi anemia complementation group J. Also called: BRIP1-Related Fanconi Anemia. Identifiers: Orphanet 84, MedGen C1836860, MONDO:0012187, OMIM 609054.
Familial cancer of breast. Also called: hereditary breast carcinoma; Hereditary breast cancer; BREAST CANCER, FAMILIAL. Identifiers: Orphanet 227535, MedGen C0346153, MONDO:0016419, OMIM 114480. Disease mechanism: loss of function.

Allele frequency attached by ClinVar (database versions not stated): gnomAD exomes below 0.00001.

Submissions (2):

Labcorp Genetics (formerly Invitae), Labcorp
Classification: Uncertain significance for Familial cancer of breast; Fanconi anemia complementation group J. Last evaluated: 2022-02-09. Review status: criteria provided, single submitter. Criteria: Invitae Variant Classification Sherloc (09022015). Collection method: clinical testing. Allele origin: germline.
Comment: This sequence change replaces valine, which is neutral and non-polar, with phenylalanine, which is neutral and non-polar, at codon 389 of the BRIP1 protein (p.Val389Phe). In summary, the available evidence is currently insufficient to determine the role of this variant in disease. Therefore, it has been classified as a Variant of Uncertain Significance. Algorithms developed to predict the effect of missense changes on protein structure and function are either unavailable or do not agree on the potential impact of this missense change (SIFT: "Deleterious"; PolyPhen-2: "Possibly Damaging"; Align-GVGD: "Class C0"). ClinVar contains an entry for this variant (Variation ID: 421188). This variant has not been reported in the literature in individuals affected with BRIP1-related conditions. This variant is present in population databases (no rsID available, gnomAD 0.004%).

GeneDx
Classification: Uncertain significance. Last evaluated: 2016-05-13. Review status: criteria provided, single submitter. Criteria: GeneDx Variant Classification (06012015). Collection method: clinical testing. Allele origin: germline. Affected: yes.
Comment: This variant is denoted BRIP1 c.1165G>T at the cDNA level, p.Val389Phe (V389F) at the protein level, and results in the change of a Valine to a Phenylalanine (GTT>TTT). This variant has not, to our knowledge, been published in the literature as pathogenic or benign. BRIP1 Val389Phe was not observed in approximately 6,500 individuals of European and African American ancestry in the NHLBI Exome Sequencing Project, suggesting it is not a common benign variant in these populations. Since Valine and Phenylalanine differ in some properties, this is considered a semi-conservative amino acid substitution. BRIP1 Val389Phe occurs at a position where amino acids with properties similar to Valine are tolerated across species and is located within the helicase and helicase ATP-binding domain (Cantor 2011, Uniprot). In silico analyses predict that this variant is probably damaging to protein structure and function. Based on currently available evidence, it is unclear whether BRIP1 Val389Phe is a pathogenic or benign variant. We consider it to be a variant of uncertain significance.